The following is an entry in ClinVar:

NM_005045.4(RELN):c.6629T>C (p.Leu2210Ser)

Gene: RELN (reelin; minus strand). Cytogenetic location: 7q22.1.
Variant type: single nucleotide variant.
Coding change: c.6629T>C on transcript NM_005045.4 (MANE Select); coding-DNA position 6629, T replaced by C.
Protein change: p.Leu2210Ser; replaces leucine 2210 with serine.
Molecular consequence: missense variant.
Genome position (GRCh38, 1-based): chr7:103,542,773, A>G on the plus strand (T>C on the coding strand, the complement: RELN is on the minus strand). VCF-style: chr7-103542773-A-G. GRCh37 (hg19) VCF-style: chr7-103183220-A-G.
Other names: c.6629T>C, p.Leu2210Ser (NM_173054.3); short protein forms L2210S.
Identifiers: ClinVar variation 3751897 (VCV003751897.2).
Genomic context (GRCh38, chr7:103,542,773, plus strand): 5'-GCATCTAAAAATGATTACCTAGCATGTGATAAATCCAGGTCTCGTGTCATCAACATGCGC[A>G]AGCCATCTTCATTGAAAAAGAGGTTGTTTCCACTAGAAAGGATTCCACACTTTCGAGATG-3'
Protein context (NP_005036.2, residues 2200-2220): GNNLFFNEDG[Leu2210Ser]RMLMTRDLDL

ClinVar aggregate classification (germline): Uncertain significance (1 of 4 stars; one submission).

Conditions:
Familial temporal lobe epilepsy 7. Identifiers: Orphanet 101046, MedGen C4225327, MONDO:0014639, OMIM 616436.
Norman-Roberts syndrome (LIS2). Also called: Lissencephaly 2 (Norman-Roberts type). Identifiers: Orphanet 89844, MedGen C0796089, MONDO:0009760, OMIM 257320.

gnomAD v4.1: 5 of 1,614,028 alleles (0.00031%); highest among the groups gnomAD compares: Non-Finnish European, 0.00042%; no homozygotes.

Submission:

Labcorp Genetics (formerly Invitae), Labcorp
Classification: Uncertain significance for Familial temporal lobe epilepsy 7; Norman-Roberts syndrome. Last evaluated: 2024-06-26. Review status: criteria provided, single submitter. Criteria: Invitae Variant Classification Sherloc (09022015). Collection method: clinical testing. Allele origin: germline.
Comment: This sequence change replaces leucine, which is neutral and non-polar, with serine, which is neutral and polar, at codon 2210 of the RELN protein (p.Leu2210Ser). This variant is present in population databases (rs772390333, gnomAD 0.002%). This variant has not been reported in the literature in individuals affected with RELN-related conditions. Advanced modeling of protein sequence and biophysical properties (such as structural, functional, and spatial information, amino acid conservation, physicochemical variation, residue mobility, and thermodynamic stability) performed at Invitae indicates that this missense variant is not expected to disrupt RELN protein function with a negative predictive value of 80%. In summary, the available evidence is currently insufficient to determine the role of this variant in disease. Therefore, it has been classified as a Variant of Uncertain Significance.